The following is an entry in ClinVar:

ClinVar aggregate classification (germline): Uncertain significance (1 of 4 stars; one submission).

gnomAD v4.1: 1 of 1,614,076 alleles (0.000062%); highest among the groups gnomAD compares: South Asian, 0.0011%; no homozygotes.

Submission:

Labcorp Genetics (formerly Invitae), Labcorp
Classification: Uncertain significance. Last evaluated: 2025-10-15. Review status: criteria provided, single submitter. Criteria: Invitae Variant Classification Sherloc (09022015). Collection method: clinical testing. Allele origin: germline.
Comment: This sequence change affects codon 266 of the IL23R mRNA. It is a 'silent' change, meaning that it does not change the encoded amino acid sequence of the IL23R protein. It affects a nucleotide within the consensus splice site. This variant is not present in population databases (gnomAD no frequency). This variant has not been reported in the literature in individuals affected with IL23R-related conditions. ClinVar contains an entry for this variant (Variation ID: 3726690). Algorithms developed to predict the effect of sequence changes on RNA splicing suggest that this variant is not likely to affect RNA splicing. In summary, the available evidence is currently insufficient to determine the role of this variant in disease. Therefore, it has been classified as a Variant of Uncertain Significance.

NM_144701.3(IL23R):c.798T>C (p.Asn266=)

Gene: IL23R (interleukin 23 receptor; plus strand). Cytogenetic location: 1p31.3.
Variant type: single nucleotide variant.
Coding change: c.798T>C on transcript NM_144701.3 (MANE Select); coding-DNA position 798, T replaced by C.
Protein change: p.Asn266=; no amino-acid change (asparagine 266 retained).
Molecular consequence: synonymous variant.
Genome position (GRCh38, 1-based): chr1:67,207,055, T>C. VCF-style: chr1-67207055-T-C. GRCh37 (hg19) VCF-style: chr1-67672738-T-C.
Identifiers: ClinVar variation 3726690 (VCV003726690.2).
Genomic context (GRCh38, chr1:67,207,055, plus strand): 5'-AACAATTGAAAAGGTTTCCTGTGAAATGAGATACAAGGCTACAACAAACCAAACTTGGAA[T>C]GTAAGCTCAACTTTCATTATGCTTTAGCATGTGAATGAATGATTTAAAAGCCAACCATCA-3'
Protein context (NP_653302.2, residues 256-276): RYKATTNQTW[Asn266=]VKEFDTNFTY